The following is an entry in ClinVar:

NM_001164508.2(NEB):c.21130del (p.Gly7046fs)

Gene: NEB (nebulin; minus strand). Cytogenetic location: 2q23.3.
Variant type: Deletion.
Coding change: c.21130del on transcript NM_001164508.2 (MANE Select); coding-DNA position 21130, one base deleted (C; older notation c.21130delC).
Protein change: p.Gly7046fs; shifts the reading frame from glycine 7046.
Molecular consequence: frameshift variant.
Genome position (GRCh38, 1-based): chr2:151,537,209, G deleted on the plus strand (C on the coding strand, the reverse complement: NEB is on the minus strand). VCF-style (leftmost placement, unchanged base first): chr2-151537208-AG-A. GRCh37 (hg19) VCF-style: chr2-152393722-AG-A.
Other names: c.21130del, p.Gly7046fs (NM_001164507.2, NM_001271208.2); c.16027del, p.Gly5345fs (NM_004543.5); short protein forms G5345fs, G7046fs.
Identifiers: ClinVar variation 1724606 (VCV001724606.2), dbSNP rs2552149538, ClinGen allele CA2580063914.

ClinVar aggregate classification (germline): Likely pathogenic (1 of 4 stars; one submission).

Conditions:
Nemaline myopathy 2 (NEM2). Also called: Nemaline myopathy 2, autosomal recessive. Identifiers: MedGen C1850569, MONDO:0009725, OMIM 256030.

Submission:

Myriad Genetics, Inc.
Classification: Likely pathogenic for Nemaline myopathy 2. Last evaluated: 2022-02-20. Review status: criteria provided, single submitter. Criteria: Myriad Women's Health Autosomal Recessive and X-Linked Classification Criteria (2021). Collection method: clinical testing. Allele origin: unknown.
Comment: NM_001271208.1(NEB):c.21130delC(G7046Afs*56) is expected to be pathogenic in the context of NEB-related nemaline myopathy. This variant is predicted to lead to an abnormal or absent protein product due to the creation of a premature termination codon in NEB, a gene where loss-of-function variants are known to be pathogenic. Please note: this variant was assessed in the context of healthy population screening.